The following is an entry in ClinVar:

ClinVar aggregate classification (germline): Uncertain significance. Review status: criteria provided, multiple submitters, no conflicts (2 of 4 stars). 2 submissions from 2 submitters: Uncertain significance (2). Last evaluated 2022-09-01.

Allele frequency attached by ClinVar (database versions not stated): TOPMed 0.00001; gnomAD 0.00002; gnomAD exomes 0.00002 and 0.00004; ExAC 0.00004; ESP Exome Variant Server 0.00017.
gnomAD v4.1: 58 of 1,613,124 alleles (0.0036%); highest among the groups gnomAD compares: Non-Finnish European, 0.0048%; no homozygotes.

Submissions (2):

Labcorp Genetics (formerly Invitae), Labcorp
Classification: Uncertain significance. Last evaluated: 2022-09-01. Review status: criteria provided, single submitter. Criteria: Invitae Variant Classification Sherloc (09022015). Collection method: clinical testing. Allele origin: germline.
Comment: This sequence change replaces asparagine, which is neutral and polar, with serine, which is neutral and polar, at codon 316 of the RETREG1 protein (p.Asn316Ser). This variant is present in population databases (rs371924017, gnomAD 0.005%). This variant has not been reported in the literature in individuals affected with RETREG1-related conditions. ClinVar contains an entry for this variant (Variation ID: 1310203). Algorithms developed to predict the effect of missense changes on protein structure and function (SIFT, PolyPhen-2, Align-GVGD) all suggest that this variant is likely to be disruptive. In summary, the available evidence is currently insufficient to determine the role of this variant in disease. Therefore, it has been classified as a Variant of Uncertain Significance.

GeneDx
Classification: Uncertain significance. Last evaluated: 2019-11-14. Review status: criteria provided, single submitter. Criteria: GeneDx Variant Classification Process June 2021. Collection method: clinical testing. Allele origin: germline. Affected: yes.
Comment: Not observed at a significant frequency in large population cohorts (Lek et al., 2016); Has not been previously published as pathogenic or benign to our knowledge

NM_001034850.3(RETREG1):c.947A>G (p.Asn316Ser)

Gene: RETREG1 (reticulophagy regulator 1; minus strand). Cytogenetic location: 5p15.1.
Variant type: single nucleotide variant.
Coding change: c.947A>G on transcript NM_001034850.3 (MANE Select); coding-DNA position 947, A replaced by G.
Protein change: p.Asn316Ser; replaces asparagine 316 with serine.
Molecular consequence: missense variant.
Genome position (GRCh38, 1-based): chr5:16,477,715, T>C on the plus strand (A>G on the coding strand, the complement: RETREG1 is on the minus strand). VCF-style: chr5-16477715-T-C. GRCh37 (hg19) VCF-style: chr5-16477824-T-C.
Other names: c.524A>G, p.Asn175Ser (NM_019000.5); short protein forms N175S, N316S.
Identifiers: ClinVar variation 1310203 (VCV001310203.8), dbSNP rs371924017, ClinGen allele CA3210284.